The following is an entry in ClinVar:

NM_004304.5(ALK):c.2064T>C (p.Cys688=)

Gene: ALK (ALK receptor tyrosine kinase; minus strand). Cytogenetic location: 2p23.2.
Variant type: single nucleotide variant.
Coding change: c.2064T>C on transcript NM_004304.5 (MANE Select); coding-DNA position 2064, T replaced by C.
Protein change: p.Cys688=; no amino-acid change (cysteine 688 retained).
Molecular consequence: synonymous variant.
Genome position (GRCh38, 1-based): chr2:29,251,245, A>G on the plus strand (T>C on the coding strand, the complement: ALK is on the minus strand). VCF-style: chr2-29251245-A-G. GRCh37 (hg19) VCF-style: chr2-29474111-A-G.
Identifiers: ClinVar variation 4040959 (VCV004040959.9).

ClinVar aggregate classification (germline): Likely benign. Review status: criteria provided, multiple submitters, no conflicts (2 of 4 stars). 2 submissions from 2 submitters: Likely benign (2). Last evaluated 2025-08-01.

Conditions:
Hereditary cancer-predisposing syndrome. Also called: Neoplastic Syndromes, Hereditary; Tumor predisposition; Hereditary Cancer Syndrome; Hereditary neoplastic syndrome. Identifiers: Orphanet 140162, MedGen C0027672, MeSH D009386, MONDO:0015356.

Submissions (2):

CeGaT Center for Human Genetics Tuebingen
Classification: Likely benign. Last evaluated: 2025-08-01. Review status: criteria provided, single submitter. Criteria: CeGaT Center For Human Genetics Tuebingen Variant Classification Criteria Version 2. Collection method: clinical testing. Allele origin: germline. Affected: yes. Observed: 1 variant allele.
Comment: ALK: PM2:Supporting, BP4, BP7

Ambry Genetics
Classification: Likely benign for Hereditary cancer-predisposing syndrome. Last evaluated: 2025-05-19. Review status: criteria provided, single submitter. Criteria: Ambry Variant Classification Scheme 2023. Collection method: clinical testing. Allele origin: germline.